The following is an entry in ClinVar:

NM_001371986.1(UNC80):c.7768A>G (p.Ile2590Val)

Gene: UNC80 (unc-80 homolog, NALCN channel complex subunit; plus strand). Cytogenetic location: 2q34.
Variant type: single nucleotide variant.
Coding change: c.7768A>G on transcript NM_001371986.1 (MANE Select); coding-DNA position 7768, A replaced by G.
Protein change: p.Ile2590Val; replaces isoleucine 2590 with valine.
Molecular consequence: missense variant.
Genome position (GRCh38, 1-based): chr2:209,959,670, A>G. VCF-style: chr2-209959670-A-G. GRCh37 (hg19) VCF-style: chr2-210824394-A-G.
Other names: c.7570A>G, p.Ile2524Val (NM_032504.2); c.7555A>G, p.Ile2519Val (NM_182587.4); c.7570A>G (NM_032504.1); short protein forms I2524V, I2590V, I2519V.
Identifiers: ClinVar variation 1507835 (VCV001507835.6), dbSNP rs915501062, ClinGen allele CA65044464.

ClinVar aggregate classification (germline): Uncertain significance. Review status: criteria provided, multiple submitters, no conflicts (2 of 4 stars). 2 submissions from 2 submitters: Uncertain significance (2). Last evaluated 2024-06-26.

Conditions:
Inborn genetic diseases. Identifiers: MedGen C0950123, MeSH D030342.

Allele frequency attached by ClinVar (database versions not stated): gnomAD exomes 0.00001 and 0.00003; TOPMed 0.00003; gnomAD 0.00004.
gnomAD v4.1: 44 of 1,551,528 alleles (0.0028%); highest among the groups gnomAD compares: Non-Finnish European, 0.0034%; no homozygotes.

Submissions (2):

Ambry Genetics
Classification: Uncertain significance for Inborn genetic diseases. Last evaluated: 2024-06-26. Review status: criteria provided, single submitter. Criteria: Ambry Variant Classification Scheme 2023. Collection method: clinical testing. Allele origin: germline.

Labcorp Genetics (formerly Invitae), Labcorp
Classification: Uncertain significance. Last evaluated: 2022-09-19. Review status: criteria provided, single submitter. Criteria: Invitae Variant Classification Sherloc (09022015). Collection method: clinical testing. Allele origin: germline.
Comment: This sequence change replaces isoleucine, which is neutral and non-polar, with valine, which is neutral and non-polar, at codon 2524 of the UNC80 protein (p.Ile2524Val). This variant is present in population databases (no rsID available, gnomAD 0.005%). This variant has not been reported in the literature in individuals affected with UNC80-related conditions. ClinVar contains an entry for this variant (Variation ID: 1507835). Advanced modeling of protein sequence and biophysical properties (such as structural, functional, and spatial information, amino acid conservation, physicochemical variation, residue mobility, and thermodynamic stability) performed at Invitae indicates that this missense variant is not expected to disrupt UNC80 protein function. In summary, the available evidence is currently insufficient to determine the role of this variant in disease. Therefore, it has been classified as a Variant of Uncertain Significance.